The following is an entry in ClinVar:

ClinVar aggregate classification (germline): Likely benign (0 of 4 stars; one submission).

Conditions:
PLXNA4-related disorder. Also called: PLXNA4-related condition.

Submission:

PreventionGenetics, part of Exact Sciences
Classification: Likely benign for PLXNA4-related condition. Last evaluated: 2024-07-31. Review status: no assertion criteria provided. Collection method: clinical testing. Allele origin: germline.
Comment: This variant is classified as likely benign based on ACMG/AMP sequence variant interpretation guidelines (Richards et al. 2015 PMID: 25741868, with internal and published modifications).

NM_020911.2(PLXNA4):c.438C>T (p.Leu146=)

Gene: PLXNA4 (plexin A4; minus strand). Cytogenetic location: 7q32.3.
Variant type: single nucleotide variant.
Coding change: c.438C>T on transcript NM_020911.2 (MANE Select); coding-DNA position 438, C replaced by T.
Protein change: p.Leu146=; no amino-acid change (leucine 146 retained).
Molecular consequence: synonymous variant.
Genome position (GRCh38, 1-based): chr7:132,508,256, G>A on the plus strand (C>T on the coding strand, the complement: PLXNA4 is on the minus strand). VCF-style: chr7-132508256-G-A. GRCh37 (hg19) VCF-style: chr7-132193015-G-A.
Other names: c.438C>T, p.Leu146= (NM_001105543.2, NM_001393897.1, NM_181775.4).
Identifiers: ClinVar variation 3353696 (VCV003353696.1).
Genomic context (GRCh38, chr7:132,508,256, plus strand): 5'-GCTCTCGTTGACACCTGACAGATAGTGCTCCTTCTTATGATAAGGCTCCCCCAGCTTGAA[G>A]AGGTCCTCCAGCCTCAGCAGCTTGCAGATGCCTTGGTACAGGCTCCCACAGGCAATCAGC-3'
Protein context (NP_065962.1, residues 136-156): GICKLLRLED[Leu146=]FKLGEPYHKK